The following is an entry in ClinVar:

ClinVar aggregate classification (germline): Uncertain significance (1 of 4 stars; one submission).

Allele frequency attached by ClinVar (database versions not stated): gnomAD exomes below 0.00001; TOPMed below 0.00001.
gnomAD v4.1: 1 of 1,614,106 alleles (0.000062%); highest among the groups gnomAD compares: Non-Finnish European, 0.000085%; no homozygotes.

Submission:

Ambry Genetics
Classification: Uncertain significance. Last evaluated: 2023-07-15. Review status: criteria provided, single submitter. Criteria: Ambry Variant Classification Scheme 2023. Collection method: clinical testing. Allele origin: germline.
Comment: The p.E1663Q variant (also known as c.4987G>C), located in coding exon 4 of the ALPK2 gene, results from a G to C substitution at nucleotide position 4987. The glutamic acid at codon 1663 is replaced by glutamine, an amino acid with highly similar properties. This amino acid position is conserved. In addition, this alteration is predicted to be tolerated by in silico analysis. Since supporting evidence is limited at this time, the clinical significance of this alteration remains unclear.

NM_052947.4(ALPK2):c.4987G>C (p.Glu1663Gln)

Gene: ALPK2 (alpha kinase 2; minus strand). Cytogenetic location: 18q21.31.
Variant type: single nucleotide variant.
Coding change: c.4987G>C on transcript NM_052947.4 (MANE Select); coding-DNA position 4987, G replaced by C.
Protein change: p.Glu1663Gln; replaces glutamic acid 1663 with glutamine.
Molecular consequence: missense variant.
Genome position (GRCh38, 1-based): chr18:58,535,200, C>G on the plus strand (G>C on the coding strand, the complement: ALPK2 is on the minus strand). VCF-style: chr18-58535200-C-G. GRCh37 (hg19) VCF-style: chr18-56202432-C-G.
Other names: short protein forms E1663Q.
Identifiers: ClinVar variation 2625999 (VCV002625999.2), dbSNP rs2051637419, ClinGen allele CA402559061.